The following is an entry in ClinVar:

ClinVar aggregate classification (germline): Uncertain significance (1 of 4 stars; one submission).

Conditions:
Congenital myasthenic syndrome 8. Also called: MYASTHENIC SYNDROME, CONGENITAL, DUE TO AGRIN DEFICIENCY; Myasthenic syndrome, congenital, 8, with pre- and postsynaptic defects. Identifiers: Orphanet 590, MedGen C3808739, MONDO:0014052, OMIM 615120.

Submission:

Labcorp Genetics (formerly Invitae), Labcorp
Classification: Uncertain significance for Congenital myasthenic syndrome 8. Last evaluated: 2020-03-23. Review status: criteria provided, single submitter. Criteria: Invitae Variant Classification Sherloc (09022015). Collection method: clinical testing. Allele origin: germline.
Comment: In summary, the available evidence is currently insufficient to determine the role of this variant in disease. Therefore, it has been classified as a Variant of Uncertain Significance. Algorithms developed to predict the effect of sequence changes on RNA splicing suggest that this variant may create or strengthen a splice site, but this prediction has not been confirmed by published transcriptional studies. This variant has not been reported in the literature in individuals with AGRN-related conditions. This variant is not present in population databases (ExAC no frequency). This variant, c.3083_3103dup, results in the insertion of 7 amino acid(s) to the AGRN protein (p.Ala1028_Thr1034dup), but otherwise preserves the integrity of the reading frame.

NM_198576.4(AGRN):c.3083_3103dup (p.Ala1028_Thr1034dup)

Gene: AGRN (agrin; plus strand). Cytogenetic location: 1p36.33.
Variant type: Duplication.
Coding change: c.3083_3103dup on transcript NM_198576.4 (MANE Select); coding-DNA positions 3083 to 3103, 21 bases duplicated (CCAGCGTCCCCAGGACCACCG).
Protein change: p.Ala1028_Thr1034dup.
Molecular consequence: inframe insertion.
Genome position (GRCh38, 1-based): chr1:1,046,568-1,046,588, CCAGCGTCCCCAGGACCACCG duplicated; duplicating any 21 consecutive bases within chr1:1,046,567-1,046,588 gives the same sequence; the c. name uses the placement nearest the transcript's 3' end. VCF-style (leftmost placement, unchanged base first): chr1-1046566-T-TGCCAGCGTCCCCAGGACCACC. GRCh37 (hg19) VCF-style: chr1-981946-T-TGCCAGCGTCCCCAGGACCACC.
Other names: c.3083_3103dup, p.Ala1028_Thr1034dup (NM_001305275.2); c.2768_2788dup, p.Ala923_Thr929dup (NM_001364727.2).
Identifiers: ClinVar variation 1040948 (VCV001040948.8), dbSNP rs1205084879, ClinGen allele CA520659039.
Genomic context (GRCh38, chr1:1,046,566, plus strand): 5'-TCCCAGCAGTACCGCACACAGCCAGACCACCCCTCCGCCCTCATCACGACCTCGGACCAC[T>TGCCAGCGTCCCCAGGACCACC]GCCAGCGTCCCCAGGACCACCGTGTGGCCCGTGCTGACGGTGCCCCCCACGGCACCCTCC-3'